The following is an entry in ClinVar:

NM_001164508.2(NEB):c.10166A>G (p.Gln3389Arg)

Gene: NEB (nebulin; minus strand). Cytogenetic location: 2q23.3.
Variant type: single nucleotide variant.
Coding change: c.10166A>G on transcript NM_001164508.2 (MANE Select); coding-DNA position 10166, A replaced by G.
Protein change: p.Gln3389Arg; replaces glutamine 3389 with arginine.
Molecular consequence: missense variant.
Genome position (GRCh38, 1-based): chr2:151,627,183, T>C on the plus strand (A>G on the coding strand, the complement: NEB is on the minus strand). VCF-style: chr2-151627183-T-C. GRCh37 (hg19) VCF-style: chr2-152483697-T-C.
Other names: c.10166A>G, p.Gln3389Arg (NM_001164507.2, NM_001271208.2); c.9437A>G, p.Gln3146Arg (NM_004543.5); short protein forms Q3146R, Q3389R.
Identifiers: ClinVar variation 1508515 (VCV001508515.5), dbSNP rs2098541776, ClinGen allele CA348793580.

ClinVar aggregate classification (germline): Uncertain significance (1 of 4 stars; one submission).

Conditions:
Nemaline myopathy 2 (NEM2). Also called: Nemaline myopathy 2, autosomal recessive. Identifiers: MedGen C1850569, MONDO:0009725, OMIM 256030.

Allele frequency attached by ClinVar (database versions not stated): gnomAD exomes below 0.00001; gnomAD 0.00001; TOPMed 0.00002.
gnomAD v4.1: 6 of 1,613,810 alleles (0.00037%); highest among the groups gnomAD compares: South Asian, 0.0011%; no homozygotes.

Submission:

Labcorp Genetics (formerly Invitae), Labcorp
Classification: Uncertain significance for Nemaline myopathy 2. Last evaluated: 2022-08-09. Review status: criteria provided, single submitter. Criteria: Invitae Variant Classification Sherloc (09022015). Collection method: clinical testing. Allele origin: germline.
Comment: This sequence change replaces glutamine, which is neutral and polar, with arginine, which is basic and polar, at codon 3389 of the NEB protein (p.Gln3389Arg). This variant is not present in population databases (gnomAD no frequency). This variant has not been reported in the literature in individuals affected with NEB-related conditions. ClinVar contains an entry for this variant (Variation ID: 1508515). Algorithms developed to predict the effect of missense changes on protein structure and function are either unavailable or do not agree on the potential impact of this missense change (SIFT: "Deleterious"; PolyPhen-2: "Not Available"; Align-GVGD: "Class C0"). In summary, the available evidence is currently insufficient to determine the role of this variant in disease. Therefore, it has been classified as a Variant of Uncertain Significance.